The following is an entry in ClinVar:

ClinVar aggregate classification (germline): Likely benign (1 of 4 stars; one submission).

Allele frequency attached by ClinVar (database versions not stated): gnomAD 0.00147; 1000 Genomes Project 30x 0.00281; ExAC 0.00290; 1000 Genomes Project 0.00339.

Submission:

CeGaT Center for Human Genetics Tuebingen
Classification: Likely benign. Last evaluated: 2026-09-01. Review status: criteria provided, single submitter. Criteria: CeGaT Center For Human Genetics Tuebingen Variant Classification Criteria Version 2. Collection method: clinical testing. Allele origin: germline. Affected: yes. Observed: 7 variant alleles.
Comment: HLA-C: BP4, BS2

NM_002117.6(HLA-C):c.70G>A (p.Ala24Thr)

Gene: HLA-C (major histocompatibility complex, class I, C; minus strand). Cytogenetic location: 6p21.33.
Variant type: single nucleotide variant.
Coding change: c.70G>A on transcript NM_002117.6 (MANE Select); coding-DNA position 70, G replaced by A.
Protein change: p.Ala24Thr; replaces alanine 24 with threonine.
Molecular consequence: missense variant.
Genome position (GRCh38, 1-based): chr6:31,272,002, C>T on the plus strand (G>A on the coding strand, the complement: HLA-C is on the minus strand). VCF-style: chr6-31272002-C-T. GRCh37 (hg19) VCF-style: chr6-31239779-C-T.
Other names: c.70G>A, p.Ala24Thr (NM_001243042.1); short protein forms A24T.
Identifiers: ClinVar variation 2656389 (VCV002656389.24), dbSNP rs41553415, ClinGen allele CA3711038.